The following is an entry in ClinVar:

NM_001134382.3(IQSEC1):c.2837G>A (p.Arg946Gln)

Gene: IQSEC1 (IQ motif and Sec7 domain ArfGEF 1; minus strand). Cytogenetic location: 3p25.2.
Variant type: single nucleotide variant.
Coding change: c.2837G>A on transcript NM_001134382.3 (MANE Select); coding-DNA position 2837, G replaced by A.
Protein change: p.Arg946Gln; replaces arginine 946 with glutamine.
Molecular consequence: missense variant. On other transcripts: 3 prime UTR variant (1), intron variant (1).
Genome position (GRCh38, 1-based): chr3:12,901,491, C>T on the plus strand (G>A on the coding strand, the complement: IQSEC1 is on the minus strand). VCF-style: chr3-12901491-C-T. GRCh37 (hg19) VCF-style: chr3-12942991-C-T.
Other names: c.*18G>A (NM_001330619.3); c.3161G>A, p.Arg1054Gln (NM_001376938.2); c.2847+1282G>A (NM_014869.8); short protein forms R1054Q, R946Q.
Identifiers: ClinVar variation 4882211 (VCV004882211.2).

ClinVar aggregate classification (germline): Uncertain significance (1 of 4 stars; one submission).

gnomAD v4.1: 21 of 1,549,864 alleles (0.0014%); highest among the groups gnomAD compares: East Asian, 0.0024%; no homozygotes.

Submission:

Dasa
Classification: Uncertain significance. Last evaluated: 2025-05-30. Review status: criteria provided, single submitter. Criteria: DASA Assertion Criteria. Collection method: clinical testing. Allele origin: germline.
Comment: NM_001134382.3(IQSEC1):c.2837G>A (p.Arg946Gln) is a missense variant that results in the substitution of arginine with glutamine. This variant is rare in population databases. Computational prediction algorithms are consistent with a benign effect. The currently available literature and clinical evidence are not sufficient to establish a definitive association between this variant and the reported condition. Therefore, this variant is classified as a variant of uncertain significance.